The following is an entry in ClinVar:

ClinVar aggregate classification (germline): Uncertain significance (1 of 4 stars; one submission).

Conditions:
Dilated cardiomyopathy 1JJ (CMD1JJ). Identifiers: Orphanet 154, MedGen C3808935, MONDO:0014095, OMIM 615235.

Submission:

Labcorp Genetics (formerly Invitae), Labcorp
Classification: Uncertain significance for Dilated cardiomyopathy 1JJ. Last evaluated: 2025-08-31. Review status: criteria provided, single submitter. Criteria: Invitae Variant Classification Sherloc (09022015). Collection method: clinical testing. Allele origin: germline.
Comment: This sequence change replaces glutamine, which is neutral and polar, with arginine, which is basic and polar, at codon 470 of the LAMA4 protein (p.Gln470Arg). This variant is not present in population databases (gnomAD no frequency). This variant has not been reported in the literature in individuals affected with LAMA4-related conditions. Invitae Evidence Modeling of protein sequence and biophysical properties (such as structural, functional, and spatial information, amino acid conservation, physicochemical variation, residue mobility, and thermodynamic stability) indicates that this missense variant is not expected to disrupt LAMA4 protein function with a negative predictive value of 80%. In summary, the available evidence is currently insufficient to determine the role of this variant in disease. Therefore, it has been classified as a Variant of Uncertain Significance.

NM_001105206.3(LAMA4):c.1430A>G (p.Gln477Arg)

Gene: LAMA4 (laminin subunit alpha 4; minus strand). Cytogenetic location: 6q21.
Variant type: single nucleotide variant.
Coding change: c.1430A>G on transcript NM_001105206.3 (MANE Select); coding-DNA position 1430, A replaced by G.
Protein change: p.Gln477Arg; replaces glutamine 477 with arginine.
Molecular consequence: missense variant.
Genome position (GRCh38, 1-based): chr6:112,172,732, T>C on the plus strand (A>G on the coding strand, the complement: LAMA4 is on the minus strand). VCF-style: chr6-112172732-T-C. GRCh37 (hg19) VCF-style: chr6-112493934-T-C.
Other names: c.1409A>G, p.Gln470Arg (NM_001105207.3, NM_002290.5); short protein forms Q477R, Q470R.
Identifiers: ClinVar variation 4705741 (VCV004705741.1).
Genomic context (GRCh38, chr6:112,172,732, plus strand): 5'-TTAAGGGCCTGGTCAAGTGCTTCCTGGAGATCTGACAACTTAGCATTGTAGTCATCCAGC[T>C]GCTCCAGGACGACAGGAAACAGAGTGCGGGTCTCATTGTGCAGCCGCTGCCAGCTCTCAG-3'
Protein context (NP_001098676.2, residues 467-487): TRTLFPVVLE[Gln477Arg]LDDYNAKLSD